The following is an entry in ClinVar:

ClinVar aggregate classification (germline): Uncertain significance (1 of 4 stars; one submission).

Conditions:
Familial melanoma. Also called: Hereditary melanoma; Hereditary cutaneous melanoma. Identifiers: Orphanet 618, MedGen C1512419, MONDO:0018961.

Submission:

Labcorp Genetics (formerly Invitae), Labcorp
Classification: Uncertain significance for Familial melanoma. Last evaluated: 2023-09-04. Review status: criteria provided, single submitter. Criteria: Invitae Variant Classification Sherloc (09022015). Collection method: clinical testing. Allele origin: germline.
Comment: ClinVar contains an entry for this variant (Variation ID: 1348846). Algorithms developed to predict the effect of missense changes on protein structure and function output the following: SIFT: "Not Available"; PolyPhen-2: "Benign"; Align-GVGD: "Not Available". The tyrosine amino acid residue is found in multiple mammalian species, which suggests that this missense change does not adversely affect protein function. Experimental studies have shown that this missense change affects CDKN2A (p16INK4a) function (PMID: 9660926). In summary, the available evidence is currently insufficient to determine the role of this variant in disease. Therefore, it has been classified as a Variant of Uncertain Significance. This variant has not been reported in the literature in individuals affected with CDKN2A (p16INK4a)-related conditions. This variant is also known as c.239C>T (p.Pro80Leu) in the p14ARF transcript. This variant is not present in population databases (gnomAD no frequency). This sequence change replaces histidine, which is basic and polar, with tyrosine, which is neutral and polar, at codon 66 of the CDKN2A (p16INK4a) protein (p.His66Tyr). The CDKN2A gene encodes two different proteins, p16INK4a and p14ARF, which are translated from alternative transcripts with different open reading frames. Both transcripts have been analyzed. We report either the variant with the higher classification or default to the CDKN2A (p16INK4a) variant. This report therefore includes the details for the CDKN2A (p16INK4a) variant.

Literature cited by the submitters: PubMed 9660926.

NM_000077.5(CDKN2A):c.196C>T (p.His66Tyr)

Gene: CDKN2A (cyclin dependent kinase inhibitor 2A; minus strand). Cytogenetic location: 9p21.3.
Variant type: single nucleotide variant.
Coding change: c.196C>T on transcript NM_000077.5; coding-DNA position 196, C replaced by T.
Protein change: p.His66Tyr; replaces histidine 66 with tyrosine.
Molecular consequence: missense variant (on NM_000077.6). On other transcripts: 3 prime UTR variant (1).
Genome position (GRCh38, 1-based): chr9:21,971,163, G>A on the plus strand (C>T on the coding strand, the complement: CDKN2A is on the minus strand). VCF-style: chr9-21971163-G-A. GRCh37 (hg19) VCF-style: chr9-21971162-G-A.
Other names: c.196C>T, p.His66Tyr (NM_000077.6, NM_001195132.2); c.43C>T, p.His15Tyr (NM_001363763.2); c.239C>T, p.Pro80Leu (NM_058195.4); c.*119C>T (NM_058197.5); short protein forms P80L, H15Y, H66Y.
Identifiers: ClinVar variation 1348846 (VCV001348846.8), dbSNP rs1819720314, ClinGen allele CA373086352.